The following is an entry in ClinVar:

NM_002206.3(ITGA7):c.3309C>G (p.Asn1103Lys)

Gene: ITGA7 (integrin subunit alpha 7; minus strand). Cytogenetic location: 12q13.2.
Variant type: single nucleotide variant.
Coding change: c.3309C>G on transcript NM_002206.3 (MANE Select); coding-DNA position 3309, C replaced by G.
Protein change: p.Asn1103Lys; replaces asparagine 1103 with lysine.
Molecular consequence: missense variant.
Genome position (GRCh38, 1-based): chr12:55,685,163, G>C on the plus strand (C>G on the coding strand, the complement: ITGA7 is on the minus strand). VCF-style: chr12-55685163-G-C. GRCh37 (hg19) VCF-style: chr12-56078947-G-C.
Other names: c.2970C>G, p.Asn990Lys (NM_001414035.1); c.3321C>G, p.Asn1107Lys (NM_001144996.2); c.3030C>G, p.Asn1010Lys (NM_001144997.2); c.2982C>G, p.Asn994Lys (NM_001367993.1); c.1965C>G, p.Asn655Lys (NM_001367994.1); c.3291C>G, p.Asn1097Lys (NM_001374465.1); c.3441C>G, p.Asn1147Lys (NM_001410977.1); c.3303C>G, p.Asn1101Lys (NM_001414029.1); and 5 more; short protein forms N1010K, N1097K, N1103K, N1107K, N655K, N994K, N1147K, N1074K.
Identifiers: ClinVar variation 1163534 (VCV001163534.9), dbSNP rs768823556, ClinGen allele CA6615247.

ClinVar aggregate classification (germline): Uncertain significance. Review status: criteria provided, multiple submitters, no conflicts (2 of 4 stars). 4 submissions from 4 submitters: Uncertain significance (4). Last evaluated 2023-07-25.

Conditions:
ITGA7-related disorder. Also called: ITGA7-related condition.
Congenital muscular dystrophy due to integrin alpha-7 deficiency. Also called: Congenital muscular dystrophy with integrin alpha-7 deficiency; Muscular dystrophy, congenital, due to ITGA7 deficiency; MYOPATHY, CONGENITAL, DUE TO INTEGRIN ALPHA-7 DEFICIENCY. Identifiers: Orphanet 34520, MedGen C2750786, MONDO:0013177, OMIM 613204.

Allele frequency attached by ClinVar (database versions not stated): gnomAD 0.00002 and 0.00003; ExAC 0.00004.
gnomAD v4.1: 34 of 1,614,008 alleles (0.0021%); highest among the groups gnomAD compares: Non-Finnish European, 0.00025%; no homozygotes.

Submissions (4):

Revvity Omics, Revvity
Classification: Uncertain significance for Congenital muscular dystrophy due to integrin alpha-7 deficiency. Last evaluated: 2023-07-25. Review status: criteria provided, single submitter. Criteria: ACMG Guidelines, 2015. Collection method: clinical testing. Allele origin: germline.

PreventionGenetics, part of Exact Sciences
Classification: Uncertain significance for ITGA7-related condition. Last evaluated: 2023-05-04. Review status: criteria provided, single submitter. Criteria: ACMG Guidelines, 2015. Collection method: clinical testing. Allele origin: germline.
Comment: The ITGA7 c.3309C>G variant is predicted to result in the amino acid substitution p.Asn1103Lys. To our knowledge, this variant has not been reported in the literature. This variant is reported in 0.099% of alleles in individuals of Ashkenazi Jewish descent in gnomAD. Although we suspect that this variant may be benign, at this time, the clinical significance of this variant is uncertain due to the absence of conclusive functional and genetic evidence.

Labcorp Genetics (formerly Invitae), Labcorp
Classification: Uncertain significance for Congenital muscular dystrophy due to integrin alpha-7 deficiency. Last evaluated: 2022-07-14. Review status: criteria provided, single submitter. Criteria: Invitae Variant Classification Sherloc (09022015). Collection method: clinical testing. Allele origin: germline.
Comment: This sequence change replaces asparagine, which is neutral and polar, with lysine, which is basic and polar, at codon 1103 of the ITGA7 protein (p.Asn1103Lys). This variant is present in population databases (rs768823556, gnomAD 0.09%). This variant has not been reported in the literature in individuals affected with ITGA7-related conditions. ClinVar contains an entry for this variant (Variation ID: 1163534). Algorithms developed to predict the effect of missense changes on protein structure and function (SIFT, PolyPhen-2, Align-GVGD) all suggest that this variant is likely to be tolerated. In summary, the available evidence is currently insufficient to determine the role of this variant in disease. Therefore, it has been classified as a Variant of Uncertain Significance.

Mayo Clinic Laboratories, Mayo Clinic
Classification: Uncertain significance. Last evaluated: 2019-05-26. Review status: criteria provided, single submitter. Criteria: ACMG Guidelines, 2015. Collection method: clinical testing. Allele origin: germline. Observed: 1 variant allele.